The following is an entry in ClinVar:

NM_001367624.2(ZNF469):c.11555C>T (p.Ala3852Val)

Gene: ZNF469 (zinc finger protein 469; plus strand). Cytogenetic location: 16q24.2.
Variant type: single nucleotide variant.
Coding change: c.11555C>T on transcript NM_001367624.2 (MANE Select); coding-DNA position 11555, C replaced by T.
Protein change: p.Ala3852Val; replaces alanine 3852 with valine.
Molecular consequence: missense variant.
Genome position (GRCh38, 1-based): chr16:88,439,025, C>T. VCF-style: chr16-88439025-C-T. GRCh37 (hg19) VCF-style: chr16-88505433-C-T.
Other names: NM_001127464.1:c.11471C>T; short protein forms A3852V.
Identifiers: ClinVar variation 5032279 (VCV005032279.1).

ClinVar aggregate classification (germline): Uncertain significance (1 of 4 stars; one submission).

Conditions:
Cardiovascular phenotype. Identifiers: MedGen CN230736.

Submission:

Ambry Genetics
Classification: Uncertain significance for Cardiovascular phenotype. Last evaluated: 2026-09-07. Review status: criteria provided, single submitter. Criteria: Ambry Variant Classification Scheme 2023. Collection method: clinical testing. Allele origin: germline.
Comment: The p.A3824V variant (also known as c.11471C>T), located in coding exon 2 of the ZNF469 gene, results from a C to T substitution at nucleotide position 11471. The alanine at codon 3824 is replaced by valine, an amino acid with similar properties. This amino acid position is conserved. In addition, this alteration is predicted to be tolerated by in silico analysis. Based on the available evidence, the clinical significance of this variant remains unclear.